The following is an entry in ClinVar:

NM_181882.3(PRX):c.302C>T (p.Pro101Leu)

Gene: PRX (periaxin; minus strand). Cytogenetic location: 19q13.2.
Variant type: single nucleotide variant.
Coding change: c.302C>T on transcript NM_181882.3 (MANE Select); coding-DNA position 302, C replaced by T.
Protein change: p.Pro101Leu; replaces proline 101 with leucine.
Molecular consequence: missense variant.
Genome position (GRCh38, 1-based): chr19:40,398,699, G>A on the plus strand (C>T on the coding strand, the complement: PRX is on the minus strand). VCF-style: chr19-40398699-G-A. GRCh37 (hg19) VCF-style: chr19-40904606-G-A.
Other names: c.302C>T, p.Pro101Leu (NM_020956.2); short protein forms P101L.
Identifiers: ClinVar variation 1388449 (VCV001388449.5), dbSNP rs1202652443, ClinGen allele CA405901179.

ClinVar aggregate classification (germline): Uncertain significance (1 of 4 stars; one submission).

Conditions:
Charcot-Marie-Tooth disease type 4. Also called: Charcot-Marie-Tooth disease, type IV; Charcot-Marie-Tooth, Type 4. Identifiers: Orphanet 64749, MedGen C4082197, MONDO:0018995.

Allele frequency attached by ClinVar (database versions not stated): TOPMed 0.00001.

Submission:

Labcorp Genetics (formerly Invitae), Labcorp
Classification: Uncertain significance for Charcot-Marie-Tooth disease type 4. Last evaluated: 2021-08-24. Review status: criteria provided, single submitter. Criteria: Invitae Variant Classification Sherloc (09022015). Collection method: clinical testing. Allele origin: germline.
Comment: This sequence change replaces proline with leucine at codon 101 of the PRX protein (p.Pro101Leu). The proline residue is moderately conserved and there is a moderate physicochemical difference between proline and leucine. This variant is not present in population databases (ExAC no frequency). This variant has not been reported in the literature in individuals affected with PRX-related conditions. Algorithms developed to predict the effect of missense changes on protein structure and function are either unavailable or do not agree on the potential impact of this missense change (SIFT: "Deleterious"; PolyPhen-2: "Possibly Damaging"; Align-GVGD: "Class C0"). In summary, the available evidence is currently insufficient to determine the role of this variant in disease. Therefore, it has been classified as a Variant of Uncertain Significance.